The following is an entry in ClinVar:

ClinVar aggregate classification (germline): Uncertain significance (1 of 4 stars; one submission).

Conditions:
Arrhythmogenic right ventricular dysplasia 12. Also called: ARRHYTHMOGENIC RIGHT VENTRICULAR DYSPLASIA, FAMILIAL, 12. Identifiers: MedGen C1969081, MONDO:0012684, OMIM 611528.
Naxos disease (NXD). Also called: CARDIOMYOPATHY, ARRHYTHMOGENIC RIGHT VENTRICULAR, WITH SKIN, HAIR, AND NAIL ABNORMALITIES; KERATOSIS PALMOPLANTARIS WITH ARRHYTHMOGENIC CARDIOMYOPATHY; MAL DE NAXOS; PALMOPLANTAR KERATODERMA WITH ARRHYTHMOGENIC RIGHT VENTRICULAR CARDIOMYOPATHY AND WOOLLY HAIR; WOOLLY HAIR, PALMOPLANTAR KERATODERMA, AND CARDIAC ABNORMALITIES. Identifiers: Orphanet 34217, MedGen C1832600, MONDO:0011017, OMIM 601214.

gnomAD v4.1: 1 of 1,613,732 alleles (0.000062%); highest among the groups gnomAD compares: Middle Eastern, 0.017%; no homozygotes.

Submission:

Labcorp Genetics (formerly Invitae), Labcorp
Classification: Uncertain significance for Arrhythmogenic right ventricular dysplasia 12; Naxos disease. Last evaluated: 2024-03-16. Review status: criteria provided, single submitter. Criteria: Invitae Variant Classification Sherloc (09022015). Collection method: clinical testing. Allele origin: germline.
Comment: This sequence change replaces threonine, which is neutral and polar, with serine, which is neutral and polar, at codon 362 of the JUP protein (p.Thr362Ser). This variant is not present in population databases (gnomAD no frequency). This variant has not been reported in the literature in individuals affected with JUP-related conditions. Algorithms developed to predict the effect of missense changes on protein structure and function output the following: SIFT: "Not Available"; PolyPhen-2: "Benign"; Align-GVGD: "Not Available". The serine amino acid residue is found in multiple mammalian species, which suggests that this missense change does not adversely affect protein function. In summary, the available evidence is currently insufficient to determine the role of this variant in disease. Therefore, it has been classified as a Variant of Uncertain Significance.

NM_002230.4(JUP):c.1085C>G (p.Thr362Ser)

Gene: JUP (junction plakoglobin; minus strand). Cytogenetic location: 17q21.2.
Variant type: single nucleotide variant.
Coding change: c.1085C>G on transcript NM_002230.4 (MANE Select); coding-DNA position 1085, C replaced by G.
Protein change: p.Thr362Ser; replaces threonine 362 with serine.
Molecular consequence: missense variant.
Genome position (GRCh38, 1-based): chr17:41,764,786, G>C on the plus strand (C>G on the coding strand, the complement: JUP is on the minus strand). VCF-style: chr17-41764786-G-C. GRCh37 (hg19) VCF-style: chr17-39921038-G-C.
Other names: c.1085C>G, p.Thr362Ser (NM_001352773.2, NM_001352774.2, NM_001352775.2 and 3 more transcripts); short protein forms T362S.
Identifiers: ClinVar variation 3761086 (VCV003761086.2).